The following is an entry in ClinVar:

ClinVar aggregate classification (germline): Uncertain significance. Review status: criteria provided, multiple submitters, no conflicts (2 of 4 stars). 2 submissions from 2 submitters: Uncertain significance (2). Last evaluated 2025-09-19.

Conditions:
Inborn genetic diseases. Identifiers: MedGen C0950123, MeSH D030342.

Allele frequency attached by ClinVar (database versions not stated): TOPMed below 0.00001.

Submissions (2):

Ambry Genetics
Classification: Uncertain significance for Inborn genetic diseases. Last evaluated: 2025-09-19. Review status: criteria provided, single submitter. Criteria: Ambry Variant Classification Scheme 2023. Collection method: clinical testing. Allele origin: germline.
Comment: The p.L1144V variant (also known as c.3430C>G), located in coding exon 16 of the MECOM gene, results from a C to G substitution at nucleotide position 3430. The leucine at codon 1144 is replaced by valine, an amino acid with highly similar properties. This amino acid position is conserved. In addition, this alteration is predicted to be tolerated by in silico analysis. Based on the available evidence, the clinical significance of this variant remains unclear.

Labcorp Genetics (formerly Invitae), Labcorp
Classification: Uncertain significance. Last evaluated: 2024-05-17. Review status: criteria provided, single submitter. Criteria: Invitae Variant Classification Sherloc (09022015). Collection method: clinical testing. Allele origin: germline.
Comment: This sequence change replaces leucine, which is neutral and non-polar, with valine, which is neutral and non-polar, at codon 956 of the MECOM protein (p.Leu956Val). This variant is not present in population databases (gnomAD no frequency). This variant has not been reported in the literature in individuals affected with MECOM-related conditions. An algorithm developed to predict the effect of missense changes on protein structure and function (PolyPhen-2) suggests that this variant is likely to be tolerated. In summary, the available evidence is currently insufficient to determine the role of this variant in disease. Therefore, it has been classified as a Variant of Uncertain Significance.

NM_004991.4(MECOM):c.3430C>G (p.Leu1144Val)

Gene: MECOM (MDS1 and EVI1 complex locus; minus strand). Cytogenetic location: 3q26.2.
Variant type: single nucleotide variant.
Coding change: c.3430C>G on transcript NM_004991.4 (MANE Select); coding-DNA position 3430, C replaced by G.
Protein change: p.Leu1144Val; replaces leucine 1144 with valine.
Molecular consequence: missense variant.
Genome position (GRCh38, 1-based): chr3:169,089,155, G>C on the plus strand (C>G on the coding strand, the complement: MECOM is on the minus strand). VCF-style: chr3-169089155-G-C. GRCh37 (hg19) VCF-style: chr3-168806943-G-C.
Other names: c.3430C>G (NM_004991.3); c.1867C>G, p.Leu623Val (NM_001366474.2); c.2866C>G, p.Leu956Val (NM_005241.4, NM_001366469.2, NM_001105078.4 and 1 more transcripts); c.2842C>G, p.Leu948Val (NM_001366470.2, NM_001163999.2); c.2839C>G, p.Leu947Val (NM_001366471.2, NM_001366472.2, NM_001164000.2); c.2431C>G, p.Leu811Val (NM_001366473.2); c.3061C>G, p.Leu1021Val (NM_001105077.4); c.3403C>G, p.Leu1135Val (NM_001366466.2); and 1 more; short protein forms L1135V, L1144V, L947V, L623V, L1021V, L811V, L948V, L956V.
Identifiers: ClinVar variation 2876269 (VCV002876269.4), dbSNP rs1413856860, ClinGen allele CA355067419.
Genomic context (GRCh38, chr3:169,089,155, plus strand): 5'-CTTCCATTTTCCTCATTTTGAGGCTATCTGTGAAGTGCCTTATATGATCTAGAGCAGAAA[G>C]TCCACTTTTATATTCTTCCTCTTTATACCTAAAATGAACCAACGAAAAACACAGAAATTT-3'
Protein context (NP_004982.2, residues 1134-1154): RYKEEEYKSG[Leu1144Val]SALDHIRHFT